The following is an entry in ClinVar:

NM_006005.3(WFS1):c.2054G>C (p.Arg685Pro)

Gene: WFS1 (wolframin ER transmembrane glycoprotein; plus strand). Cytogenetic location: 4p16.1.
Variant type: single nucleotide variant.
Coding change: c.2054G>C on transcript NM_006005.3 (MANE Select); coding-DNA position 2054, G replaced by C.
Protein change: p.Arg685Pro; replaces arginine 685 with proline.
Molecular consequence: missense variant.
Genome position (GRCh38, 1-based): chr4:6,301,849, G>C. VCF-style: chr4-6301849-G-C. GRCh37 (hg19) VCF-style: chr4-6303576-G-C.
Other names: c.2054G>C, p.Arg685Pro (NM_001145853.1); short protein forms R685P.
Identifiers: ClinVar variation 45446 (VCV000045446.5), dbSNP rs142668478, ClinGen allele CA261750.

ClinVar aggregate classification (germline): Pathogenic (1 of 4 stars; one submission).

Conditions:
Rare genetic deafness. Identifiers: Orphanet 96210, MedGen C5680250.

gnomAD v4.1: 1 of 1,612,862 alleles (0.000062%); highest among the groups gnomAD compares: Non-Finnish European, 0.000085%; no homozygotes.

Submission:

Laboratory for Molecular Medicine, Mass General Brigham Personalized Medicine
Classification: Pathogenic for Rare genetic deafness. Last evaluated: 2012-02-28. Review status: criteria provided, single submitter. Criteria: LMM Criteria. Collection method: clinical testing. Allele origin: germline. Inheritance: Autosomal dominant inheritance. Observed: 1 variant allele.
Comment: The Arg685Pro variant in WFS1 has been reported in one Caucasian family with dom inant low frequency sensorineural hearing loss and was absent from 230 Caucasian control chromosomes (Bramhall 2008). The variant was identified in a heterozygo us state and segregated with hearing loss across eight meioses. In summary, this variant meets our criteria to be classified as pathogenic (s.org/LMM).

Literature cited by the submitters: PubMed 18518985.